The following is an entry in ClinVar:

NM_021098.3(CACNA1H):c.6271G>A (p.Ala2091Thr)

Gene: CACNA1H (calcium voltage-gated channel subunit alpha1 H; plus strand). Cytogenetic location: 16p13.3.
Variant type: single nucleotide variant.
Coding change: c.6271G>A on transcript NM_021098.3 (MANE Select); coding-DNA position 6271, G replaced by A.
Protein change: p.Ala2091Thr; replaces alanine 2091 with threonine.
Molecular consequence: missense variant.
Genome position (GRCh38, 1-based): chr16:1,220,203, G>A. VCF-style: chr16-1220203-G-A. GRCh37 (hg19) VCF-style: chr16-1270203-G-A.
Other names: c.6253G>A, p.Ala2085Thr (NM_001005407.2); short protein forms A2091T, A2085T.
Identifiers: ClinVar variation 4987364 (VCV004987364.1).

ClinVar aggregate classification (germline): Uncertain significance (1 of 4 stars; one submission).

Conditions:
CACNA1H-related disorder.

Submission:

PreventionGenetics, part of Exact Sciences
Classification: Uncertain significance for CACNA1H-related condition. Last evaluated: 2025-11-21. Review status: criteria provided, single submitter. Criteria: ACMG Guidelines, 2015. Collection method: clinical testing. Allele origin: germline.
Comment: The CACNA1H c.6271G>A variant is predicted to result in the amino acid substitution p.Ala2091Thr. To our knowledge, this variant has not been reported in the literature or in a large population database (gnomAD), indicating this variant is rare. At this time, the clinical significance of this variant is uncertain due to the absence of conclusive functional and genetic evidence.